The following is an entry in ClinVar:

NM_001369.3(DNAH5):c.11605_11606insTATAAGAGACAGT (p.Ala3869delinsValTer)

Gene: DNAH5 (dynein axonemal heavy chain 5; minus strand). Cytogenetic location: 5p15.2.
Variant type: Insertion.
Coding change: c.11605_11606insTATAAGAGACAGT on transcript NM_001369.3 (MANE Select); coding-DNA positions 11605 to 11606, TATAAGAGACAGT inserted.
Protein change: p.Ala3869delinsValTer.
Molecular consequence: nonsense.
Genome position: GRCh38 VCF-style: chr5-13735286-G-GACTGTCTCTTATA. GRCh37 (hg19) VCF-style: chr5-13735395-G-GACTGTCTCTTATA.
Identifiers: ClinVar variation 5011276 (VCV005011276.1).
Genomic context (GRCh38, chr5:13,735,286, plus strand): 5'-TCGTACAGCCCTCGGGCAGCATACTTATAAACCTCGTAGGTCATGTGCTCGATGATATTA[G>GACTGTCTCTTATA]CAATCCTCTTGCTTGTAATCGGGCTCTTGACAGACCTGGTGAATAGAATATTTAAATCAG-3'

ClinVar aggregate classification (germline): Pathogenic (1 of 4 stars; one submission).

Conditions:
Primary ciliary dyskinesia 3. Identifiers: Orphanet 244, MedGen C1837618, MONDO:0012085, OMIM 608644.

Submission:

Myriad Genetics, Inc.
Classification: Pathogenic for Primary ciliary dyskinesia 3. Last evaluated: 2023-08-09. Review status: criteria provided, single submitter. Criteria: Myriad Autosomal Dominant, Autosomal Recessive and X-Linked Classification Criteria (2023). Collection method: clinical testing. Allele origin: unknown.
Comment: NM_001369.2(DNAH5):c.11605_11606ins13(A3869Vfs*2) is expected to be pathogenic in the context of primary ciliary dyskinesia, DNAH5-related. This variant is predicted to lead to an abnormal or absent protein product due to the creation of a premature termination codon in DNAH5, a gene where loss-of-function variants are known to be pathogenic. Please note: this variant was assessed in the context of healthy population screening.